The following is an entry in ClinVar:

NM_002294.3(LAMP2):c.855C>T (p.Val285=)

Gene: LAMP2 (lysosomal associated membrane protein 2; minus strand). Cytogenetic location: Xq24.
Variant type: single nucleotide variant.
Coding change: c.855C>T on transcript NM_002294.3 (MANE Select); coding-DNA position 855, C replaced by T.
Protein change: p.Val285=; no amino-acid change (valine 285 retained).
Molecular consequence: synonymous variant.
Genome position (GRCh38, 1-based): chrX:120,446,314, G>A on the plus strand (C>T on the coding strand, the complement: LAMP2 is on the minus strand). VCF-style: chrX-120446314-G-A. GRCh37 (hg19) VCF-style: chrX-119580169-G-A.
Other names: c.855C>T, p.Val285= (NM_001122606.1, NM_013995.2).
Identifiers: ClinVar variation 44441 (VCV000044441.4), dbSNP rs397516750, ClinGen allele CA134204.
Genomic context (GRCh38, chrX:120,446,314, plus strand): 5'-CAGATGTGTTTCTAAGAGAATGAACCTAACTTTAAAAAATCTGTTACTCACCACAGCAAA[G>A]ACAAAGTCTAGATACTTAATGGTGCTGCTATTGAGTCTAAGTAGAGCAGTGTGAGAACGG-3'
Protein context (NP_002285.1, residues 275-295): NSSTIKYLDF[Val285=]FAVKNENRFY

ClinVar aggregate classification (germline): Likely benign (1 of 4 stars; one submission).

Submission:

Laboratory for Molecular Medicine, Mass General Brigham Personalized Medicine
Classification: Likely benign. Last evaluated: 2010-12-28. Review status: criteria provided, single submitter. Criteria: LMM Criteria. Collection method: clinical testing. Allele origin: germline. Observed: 1 variant allele.
Comment: This variant is not expected to have clinical significance because it does not a lter an amino acid residue and is not located near a splice junction.